The following is an entry in ClinVar:

NM_004168.4(SDHA):c.8G>A (p.Gly3Glu)

Gene: SDHA (succinate dehydrogenase complex flavoprotein subunit A; plus strand). Cytogenetic location: 5p15.33.
Variant type: single nucleotide variant.
Coding change: c.8G>A on transcript NM_004168.4 (MANE Select); coding-DNA position 8, G replaced by A.
Protein change: p.Gly3Glu; replaces glycine 3 with glutamic acid.
Molecular consequence: missense variant.
Genome position (GRCh38, 1-based): chr5:218,363, G>A. VCF-style: chr5-218363-G-A. GRCh37 (hg19) VCF-style: chr5-218478-G-A.
Other names: c.8G>A, p.Gly3Glu (NM_001294332.2, NM_001330758.2); short protein forms G3E.
Identifiers: ClinVar variation 3438678 (VCV003438678.3).
Genomic context (GRCh38, chr5:218,363, plus strand): 5'-GCAGGCGCAGTCTGCGCAGGGACTGGCGGGACTGCGCGGCGGCAACAGCAGACATGTCGG[G>A]GGTCCGGGGCCTGTCGCGGCTGCTGAGCGCTCGGCGCCTGGCGCTGGCCAAGGCGGTGAG-3'
Protein context (NP_004159.2, residues 1-13): MS[Gly3Glu]VRGLSRLLSA

ClinVar aggregate classification (germline): Uncertain significance. Review status: criteria provided, multiple submitters, no conflicts (2 of 4 stars). 2 submissions from 2 submitters: Uncertain significance (2). Last evaluated 2025-01-15.

Conditions:
Mitochondrial complex II deficiency, nuclear type 1. Also called: SUCCINATE CoQ REDUCTASE DEFICIENCY. Identifiers: Orphanet 3208, MedGen C5700310, MONDO:0100294, OMIM 252011.
Pheochromocytoma/paraganglioma syndrome 5. Also called: Paragangliomas 5; SDHA-Related Hereditary Paraganglioma-Pheochromocytoma Syndrome. Identifiers: Orphanet 29072, MedGen C3279992, MONDO:0013602, OMIM 614165.
Hereditary cancer-predisposing syndrome. Also called: Neoplastic Syndromes, Hereditary; Tumor predisposition; Hereditary Cancer Syndrome; Hereditary neoplastic syndrome. Identifiers: Orphanet 140162, MedGen C0027672, MeSH D009386, MONDO:0015356.

Submissions (2):

Labcorp Genetics (formerly Invitae), Labcorp
Classification: Uncertain significance for Pheochromocytoma/paraganglioma syndrome 5; Mitochondrial complex II deficiency, nuclear type 1. Last evaluated: 2025-01-15. Review status: criteria provided, single submitter. Criteria: Invitae Variant Classification Sherloc (09022015). Collection method: clinical testing. Allele origin: germline.
Comment: This sequence change replaces glycine, which is neutral and non-polar, with glutamic acid, which is acidic and polar, at codon 3 of the SDHA protein (p.Gly3Glu). This variant is not present in population databases (gnomAD no frequency). This variant has not been reported in the literature in individuals affected with SDHA-related conditions. Invitae Evidence Modeling of protein sequence and biophysical properties (such as structural, functional, and spatial information, amino acid conservation, physicochemical variation, residue mobility, and thermodynamic stability) indicates that this missense variant is not expected to disrupt SDHA protein function with a negative predictive value of 95%. In summary, the available evidence is currently insufficient to determine the role of this variant in disease. Therefore, it has been classified as a Variant of Uncertain Significance.

Ambry Genetics
Classification: Uncertain significance for Hereditary cancer-predisposing syndrome. Last evaluated: 2024-06-25. Review status: criteria provided, single submitter. Criteria: Ambry Variant Classification Scheme 2023. Collection method: clinical testing. Allele origin: germline.
Comment: The p.G3E variant (also known as c.8G>A), located in coding exon 1 of the SDHA gene, results from a G to A substitution at nucleotide position 8. The glycine at codon 3 is replaced by glutamic acid, an amino acid with similar properties. This amino acid position is well conserved in available vertebrate species. In addition, this alteration is predicted to be tolerated by in silico analysis. Based on the available evidence, the clinical significance of this variant remains unclear.